The following is an entry in ClinVar:

NM_002863.5(PYGL):c.153C>T (p.Asp51=)

Gene: PYGL (glycogen phosphorylase L; minus strand). Cytogenetic location: 14q22.1.
Variant type: single nucleotide variant.
Coding change: c.153C>T on transcript NM_002863.5 (MANE Select); coding-DNA position 153, C replaced by T.
Protein change: p.Asp51=; no amino-acid change (aspartic acid 51 retained).
Molecular consequence: synonymous variant.
Genome position (GRCh38, 1-based): chr14:50,944,251, G>A on the plus strand (C>T on the coding strand, the complement: PYGL is on the minus strand). VCF-style: chr14-50944251-G-A. GRCh37 (hg19) VCF-style: chr14-51410969-G-A.
Other names: c.153C>T, p.Asp51= (NM_001163940.2).
Identifiers: ClinVar variation 193236 (VCV000193236.22), dbSNP rs77316189, ClinGen allele CA200427.
Genomic context (GRCh38, chr14:50,944,251, plus strand): 5'-CGTGCGGATCCAGCGCCCCACCAGGTGGTCGCGCACCGTGTGCGCCAGCGCGAAGTAGTA[G>A]TCGCGGGTGGTGGCCACGTTGCGGTCCTTGACCAGCGTGAAGTGCAGGTGCCGGTTGAAA-3'
Protein context (NP_002854.3, residues 41-61): VKDRNVATTR[Asp51=]YYFALAHTVR

ClinVar aggregate classification (germline): Benign. Review status: criteria provided, multiple submitters, no conflicts (2 of 4 stars). 7 submissions from 7 submitters: Benign (6). 1 of the submissions does not count toward it. Last evaluated 2026-02-01.

Conditions:
Glycogen storage disease, type VI (GSD6). Also called: Hepatic glycogen phosphorylase deficiency; Glycogen storage disease type 6; Glycogen storage disease type 6, due to phosphorylation; GSD VI; HERS DISEASE; PHOSPHORYLASE DEFICIENCY GLYCOGEN-STORAGE DISEASE OF LIVER. Identifiers: Orphanet 369, MedGen C0017925, MONDO:0009294, OMIM 232700.

Allele frequency attached by ClinVar (database versions not stated): gnomAD exomes 0.04262; ExAC 0.04694; 1000 Genomes Project 0.05791; 1000 Genomes Project 30x 0.06137; gnomAD 0.06833 and 0.07133; TOPMed 0.06903; ESP Exome Variant Server 0.07589.
gnomAD v4.1: 67,699 of 1,613,776 alleles (4.2%); highest among the groups gnomAD compares: African/African-American, 15%; 2,021 homozygotes.

Submissions (7):

Labcorp Genetics (formerly Invitae), Labcorp
Classification: Benign for Glycogen storage disease, type VI. Last evaluated: 2026-02-01. Review status: criteria provided, single submitter. Criteria: Invitae Variant Classification Sherloc (09022015). Collection method: clinical testing. Allele origin: germline.

GeneDx
Classification: Benign. Last evaluated: 2020-02-26. Review status: criteria provided, single submitter. Criteria: GeneDx Variant Classification Process June 2021. Collection method: clinical testing. Allele origin: germline. Affected: yes.

Illumina Laboratory Services, Illumina
Classification: Benign for Glycogen storage disease, type VI. Last evaluated: 2018-01-12. Review status: criteria provided, single submitter. Criteria: ICSL Variant Classification Criteria 13 December 2019. Collection method: clinical testing. Allele origin: germline.
Comment: This variant was observed in the ICSL laboratory as part of a predisposition screen in an ostensibly healthy population. It had not been previously curated by ICSL or reported in the Human Gene Mutation Database (HGMD: prior to June 1st, 2018), and was therefore a candidate for classification through an automated scoring system. Utilizing variant allele frequency, disease prevalence and penetrance estimates, and inheritance mode, an automated score was calculated to assess if this variant is too frequent to cause the disease. Based on the score and internal cut-off values, a variant classified as benign is not then subjected to further curation. The score for this variant resulted in a classification of benign for this disease.

Eurofins Ntd Llc (ga)
Classification: Benign. Last evaluated: 2015-04-06. Review status: criteria provided, single submitter. Criteria: EGL Classification Definitions 2015. Collection method: clinical testing. Allele origin: germline. Observed: 1 variant allele, 1 heterozygote.

Breakthrough Genomics
Classification: Benign. Review status: criteria provided, single submitter. Criteria: ACMG Guidelines, 2015. Collection method: not provided. Allele origin: germline. Inheritance: Autosomal recessive inheritance. Affected: yes.

PreventionGenetics, part of Exact Sciences
Classification: Benign. Review status: criteria provided, single submitter. Criteria: ACMG Guidelines, 2015. Collection method: clinical testing. Allele origin: germline.

Mayo Clinic Laboratories, Mayo Clinic
Classification: Benign. Last evaluated: 2017-04-12. Review status: no assertion criteria provided. Collection method: clinical testing. Allele origin: unknown. Not counted in ClinVar's aggregate classification.